The following is an entry in ClinVar:

NM_001142800.2(EYS):c.4271C>T (p.Thr1424Met)

Gene: EYS (EGF-like photoreceptor maintenance factor; minus strand). Cytogenetic location: 6q12.
Variant type: single nucleotide variant.
Coding change: c.4271C>T on transcript NM_001142800.2 (MANE Select); coding-DNA position 4271, C replaced by T.
Protein change: p.Thr1424Met; replaces threonine 1424 with methionine.
Molecular consequence: missense variant.
Genome position (GRCh38, 1-based): chr6:64,591,596, G>A on the plus strand (C>T on the coding strand, the complement: EYS is on the minus strand). VCF-style: chr6-64591596-G-A. GRCh37 (hg19) VCF-style: chr6-65301489-G-A.
Other names: c.4271C>T (NM_001142800.1); c.4271C>T, p.Thr1424Met (NM_001292009.2); short protein forms T1424M.
Identifiers: ClinVar variation 1441877 (VCV001441877.6), dbSNP rs762521982, ClinGen allele CA3877092.

ClinVar aggregate classification (germline): Conflicting classifications of pathogenicity. Review status: criteria provided, conflicting classifications (1 of 4 stars). 4 submissions from 4 submitters: Uncertain significance (3); Likely benign (1). Last evaluated 2026-03-13.

Conditions:
EYS-related disorder. Also called: EYS-related condition.
Inborn genetic diseases. Identifiers: MedGen C0950123, MeSH D030342.

Allele frequency attached by ClinVar (database versions not stated): gnomAD exomes 0.00003; ExAC 0.00010.
gnomAD v4.1: 107 of 1,551,070 alleles (0.0069%); highest among the groups gnomAD compares: Non-Finnish European, 0.0086%; no homozygotes.

Submissions (4):

PreventionGenetics, part of Exact Sciences
Classification: Uncertain significance for EYS-related condition. Last evaluated: 2026-03-13. Review status: criteria provided, single submitter. Criteria: ACMG Guidelines, 2015. Collection method: clinical testing. Allele origin: germline.
Comment: The EYS c.4271C>T variant is predicted to result in the amino acid substitution p.Thr1424Met. To our knowledge, this variant has not been reported in the literature. This variant is reported in 0.0078% of alleles in individuals of Latino descent in gnomAD. At this time, the clinical significance of this variant is uncertain due to the absence of conclusive functional and genetic evidence.

Ambry Genetics
Classification: Likely benign for Inborn genetic diseases. Last evaluated: 2025-11-03. Review status: criteria provided, single submitter. Criteria: Ambry Variant Classification Scheme 2023. Collection method: clinical testing. Allele origin: germline.

Blueprint Genetics
Classification: Uncertain significance. Last evaluated: 2024-10-10. Review status: criteria provided, single submitter. Criteria: ACMG Guidelines, 2015. Collection method: clinical testing. Allele origin: germline.

Labcorp Genetics (formerly Invitae), Labcorp
Classification: Uncertain significance. Last evaluated: 2022-06-05. Review status: criteria provided, single submitter. Criteria: Invitae Variant Classification Sherloc (09022015). Collection method: clinical testing. Allele origin: germline.
Comment: This sequence change replaces threonine, which is neutral and polar, with methionine, which is neutral and non-polar, at codon 1424 of the EYS protein (p.Thr1424Met). This variant is present in population databases (rs762521982, gnomAD 0.004%). This variant has not been reported in the literature in individuals affected with EYS-related conditions. ClinVar contains an entry for this variant (Variation ID: 1441877). Algorithms developed to predict the effect of missense changes on protein structure and function output the following: SIFT: "Tolerated"; PolyPhen-2: "Benign"; Align-GVGD: "Class C0". The methionine amino acid residue is found in multiple mammalian species, which suggests that this missense change does not adversely affect protein function. In summary, the available evidence is currently insufficient to determine the role of this variant in disease. Therefore, it has been classified as a Variant of Uncertain Significance.